The following is an entry in ClinVar:

NM_006846.4(SPINK5):c.1373T>C (p.Ile458Thr)

Gene: SPINK5 (serine peptidase inhibitor Kazal type 5; plus strand). Cytogenetic location: 5q32.
Variant type: single nucleotide variant.
Coding change: c.1373T>C on transcript NM_006846.4 (MANE Select); coding-DNA position 1373, T replaced by C.
Protein change: p.Ile458Thr; replaces isoleucine 458 with threonine.
Molecular consequence: missense variant.
Genome position (GRCh38, 1-based): chr5:148,101,851, T>C. VCF-style: chr5-148101851-T-C. GRCh37 (hg19) VCF-style: chr5-147481414-T-C.
Other names: c.1373T>C, p.Ile458Thr (NM_001127698.2, NM_001127699.2); short protein forms I458T.
Identifiers: ClinVar variation 647664 (VCV000647664.9), dbSNP rs1581082573, ClinGen allele CA361637324.

ClinVar aggregate classification (germline): Uncertain significance (1 of 4 stars; one submission).

Conditions:
Ichthyosis linearis circumflexa. Identifiers: MedGen C0265962, MONDO:0043106, HP:0025810.

Submission:

Labcorp Genetics (formerly Invitae), Labcorp
Classification: Uncertain significance for Ichthyosis linearis circumflexa. Last evaluated: 2018-09-06. Review status: criteria provided, single submitter. Criteria: Invitae Variant Classification Sherloc (09022015). Collection method: clinical testing. Allele origin: germline.
Comment: In summary, the available evidence is currently insufficient to determine the role of this variant in disease. Therefore, it has been classified as a Variant of Uncertain Significance. Algorithms developed to predict the effect of missense changes on protein structure and function are either unavailable or do not agree on the potential impact of this missense change (SIFT: "Tolerated"; PolyPhen-2: "Possibly Damaging"; Align-GVGD: "Class C0"). This sequence change replaces isoleucine with threonine at codon 458 of the SPINK5 protein (p.Ile458Thr). The isoleucine residue is moderately conserved and there is a moderate physicochemical difference between isoleucine and threonine. This variant is not present in population databases (ExAC no frequency). This variant has not been reported in the literature in individuals with SPINK5-related disease.